The following is an entry in ClinVar:

NM_004973.4(JARID2):c.1182G>T (p.Gly394=)

Gene: JARID2 (jumonji and AT-rich interaction domain containing 2; plus strand). Cytogenetic location: 6p22.3.
Variant type: single nucleotide variant.
Coding change: c.1182G>T on transcript NM_004973.4 (MANE Select); coding-DNA position 1182, G replaced by T.
Protein change: p.Gly394=; no amino-acid change (glycine 394 retained).
Molecular consequence: synonymous variant.
Genome position (GRCh38, 1-based): chr6:15,496,407, G>T. VCF-style: chr6-15496407-G-T. GRCh37 (hg19) VCF-style: chr6-15496638-G-T.
Other names: c.666G>T, p.Gly222= (NM_001267040.1).
Identifiers: ClinVar variation 3031410 (VCV003031410.2), dbSNP rs139296418, ClinGen allele CA3642806.

ClinVar aggregate classification (germline): Likely benign (0 of 4 stars; one submission).

Conditions:
JARID2-related disorder. Also called: JARID2-related condition.

Allele frequency attached by ClinVar (database versions not stated): gnomAD 0.00001; ExAC 0.00002; ESP Exome Variant Server 0.00008.
gnomAD v4.1: 62 of 1,613,742 alleles (0.0038%); highest among the groups gnomAD compares: Middle Eastern, 0.016%; no homozygotes.

Submission:

PreventionGenetics, part of Exact Sciences
Classification: Likely benign for JARID2-related condition. Last evaluated: 2023-10-12. Review status: no assertion criteria provided. Collection method: clinical testing. Allele origin: germline.
Comment: This variant is classified as likely benign based on ACMG/AMP sequence variant interpretation guidelines (Richards et al. 2015 PMID: 25741868, with internal and published modifications).